The following is an entry in ClinVar:

NM_000179.3(MSH6):c.4002G>C (p.Arg1334=)

Gene: MSH6 (mutS homolog 6; plus strand). Cytogenetic location: 2p16.3.
Variant type: single nucleotide variant.
Coding change: c.4002G>C on transcript NM_000179.3 (MANE Select); coding-DNA position 4002, G replaced by C.
Protein change: p.Arg1334=; no amino-acid change (arginine 1334 retained).
Molecular consequence: synonymous variant. On other transcripts: 3 prime UTR variant (1), missense variant (1), non-coding transcript variant (5), intron variant (3).
Genome position (GRCh38, 1-based): chr2:47,806,779, G>C. VCF-style: chr2-47806779-G-C. GRCh37 (hg19) VCF-style: chr2-48033918-G-C.
Other names: c.3612G>C, p.Arg1204= (NM_001281492.2); c.3096G>C, p.Arg1032= (NM_001281493.2, NM_001281494.2, NM_001406811.1 and 6 more transcripts); c.4098G>C, p.Arg1366= (NM_001406795.1); c.4002G>C, p.Arg1334= (NM_001406796.1, NM_001406809.1); c.3705G>C, p.Arg1235= (NM_001406797.1, NM_001406805.1, NM_001406818.1 and 8 more transcripts); c.3828G>C, p.Arg1276= (NM_001406798.1); c.3477G>C, p.Arg1159= (NM_001406799.1, NM_001406806.1, NM_001406807.1); c.*23G>C (NM_001406800.1); and 11 more; short protein forms G1300R.
Identifiers: ClinVar variation 1736949 (VCV001736949.2), dbSNP rs1246341977, ClinGen allele CA426122251.
Genomic context (GRCh38, chr2:47,806,779, plus strand): 5'-AAGGGATGATGCACTATGAAAAAACAAAAAAACTTTTTTTTTTTTTTTTTTAATTTTAAG[G>C]GAAGTTTGCCTGGCTAGTGAAAGGTCAACTGTAGATGCTGAAGCTGTCCATAAATTGCTG-3'
Protein context (NP_000170.1, residues 1324-1344): EKMNQSLRLF[Arg1334=]EVCLASERST

ClinVar aggregate classification (germline): Uncertain significance (1 of 4 stars; one submission).

Conditions:
Hereditary cancer-predisposing syndrome. Also called: Neoplastic Syndromes, Hereditary; Tumor predisposition; Hereditary Cancer Syndrome; Hereditary neoplastic syndrome. Identifiers: Orphanet 140162, MedGen C0027672, MeSH D009386, MONDO:0015356.

Submission:

Ambry Genetics
Classification: Uncertain significance for Hereditary cancer-predisposing syndrome. Last evaluated: 2022-05-10. Review status: criteria provided, single submitter. Criteria: Ambry Variant Classification Scheme 2023. Collection method: clinical testing. Allele origin: germline.
Comment: The c.4002G>C variant (also known as p.R1334R), located in coding exon 10 of the MSH6 gene, results from a G to C substitution at nucleotide position 4002. This nucleotide substitution does not change the arginine at codon 1334. However, this change occurs in the first base pair of coding exon 10, which makes it likely to have some effect on normal mRNA splicing. This nucleotide position is highly conserved in available vertebrate species. In silico splice site analysis for this alteration is inconclusive. Since supporting evidence is limited at this time, the clinical significance of this alteration remains unclear.